The following is an entry in ClinVar:

ClinVar aggregate classification (germline): Uncertain significance (1 of 4 stars; one submission).

Conditions:
Renal cell carcinoma. Identifiers: Orphanet 217071, MedGen C0007134, MeSH D002292, MONDO:0005086, HP:0005584.

Submission:

Labcorp Genetics (formerly Invitae), Labcorp
Classification: Uncertain significance for Renal cell carcinoma. Last evaluated: 2024-03-05. Review status: criteria provided, single submitter. Criteria: Invitae Variant Classification Sherloc (09022015). Collection method: clinical testing. Allele origin: germline.
Comment: This sequence change replaces isoleucine, which is neutral and non-polar, with phenylalanine, which is neutral and non-polar, at codon 259 of the MET protein (p.Ile259Phe). This variant is not present in population databases (gnomAD no frequency). This variant has not been reported in the literature in individuals affected with MET-related conditions. Advanced modeling of protein sequence and biophysical properties (such as structural, functional, and spatial information, amino acid conservation, physicochemical variation, residue mobility, and thermodynamic stability) performed at Invitae indicates that this missense variant is not expected to disrupt MET protein function with a negative predictive value of 80%. In summary, the available evidence is currently insufficient to determine the role of this variant in disease. Therefore, it has been classified as a Variant of Uncertain Significance.

NM_000245.4(MET):c.775A>T (p.Ile259Phe)

Gene: MET (MET proto-oncogene, receptor tyrosine kinase; plus strand). Cytogenetic location: 7q31.2.
Variant type: single nucleotide variant.
Coding change: c.775A>T on transcript NM_000245.4 (MANE Select); coding-DNA position 775, A replaced by T.
Protein change: p.Ile259Phe; replaces isoleucine 259 with phenylalanine.
Molecular consequence: missense variant. On other transcripts: intron variant (1).
Genome position (GRCh38, 1-based): chr7:116,699,859, A>T. VCF-style: chr7-116699859-A-T. GRCh37 (hg19) VCF-style: chr7-116339913-A-T.
Other names: c.775A>T, p.Ile259Phe (NM_001127500.3, NM_001324401.3); c.-91+27282A>T (NM_001324402.2); short protein forms I259F.
Identifiers: ClinVar variation 3644537 (VCV003644537.2).